The following is an entry in ClinVar:

ClinVar aggregate classification (germline): Uncertain significance. Review status: criteria provided, multiple submitters, no conflicts (2 of 4 stars). 2 submissions from 2 submitters: Uncertain significance (2). Last evaluated 2026-01-18.

Conditions:
Hereditary cancer-predisposing syndrome. Also called: Hereditary neoplastic syndrome; Neoplastic Syndromes, Hereditary; Hereditary Cancer Syndrome; Tumor predisposition. Identifiers: Orphanet 140162, MedGen C0027672, MeSH D009386, MONDO:0015356.
Gastrointestinal stromal tumor. Also called: Gastrointestinal stromal tumor, somatic; Gastrointestinal stroma tumor. Identifiers: Orphanet 44890, MedGen C0238198, MeSH D046152, MONDO:0011719, OMIM 606764, HP:0100723.

Allele frequency attached by ClinVar (database versions not stated): gnomAD exomes below 0.00001.
gnomAD v4.1: 1 of 1,614,050 alleles (0.000062%); highest among the groups gnomAD compares: East Asian, 0.0022%; no homozygotes.

Submissions (2):

Labcorp Genetics (formerly Invitae), Labcorp
Classification: Uncertain significance for Gastrointestinal stromal tumor. Last evaluated: 2026-01-18. Review status: criteria provided, single submitter. Criteria: Invitae Variant Classification Sherloc (09022015). Collection method: clinical testing. Allele origin: germline.
Comment: This sequence change replaces serine, which is neutral and polar, with threonine, which is neutral and polar, at codon 1057 of the PDGFRA protein (p.Ser1057Thr). This variant is not present in population databases (gnomAD no frequency). This variant has not been reported in the literature in individuals affected with PDGFRA-related conditions. ClinVar contains an entry for this variant (Variation ID: 958566). Invitae Evidence Modeling of protein sequence and biophysical properties (such as structural, functional, and spatial information, amino acid conservation, physicochemical variation, residue mobility, and thermodynamic stability) indicates that this missense variant is not expected to disrupt PDGFRA protein function with a negative predictive value of 80%. In summary, the available evidence is currently insufficient to determine the role of this variant in disease. Therefore, it has been classified as a Variant of Uncertain Significance.

Ambry Genetics
Classification: Uncertain significance for Hereditary cancer-predisposing syndrome. Last evaluated: 2025-08-19. Review status: criteria provided, single submitter. Criteria: Ambry Variant Classification Scheme 2023. Collection method: clinical testing. Allele origin: germline.
Comment: The p.S1057T variant (also known as c.3169T>A), located in coding exon 22 of the PDGFRA gene, results from a T to A substitution at nucleotide position 3169. The serine at codon 1057 is replaced by threonine, an amino acid with similar properties. This amino acid position is conserved. In addition, the in silico prediction for this alteration is inconclusive. Since supporting evidence is limited at this time, the clinical significance of this alteration remains unclear.

NM_006206.6(PDGFRA):c.3169T>A (p.Ser1057Thr)

Gene: PDGFRA (platelet derived growth factor receptor alpha; plus strand). Cytogenetic location: 4q12.
Variant type: single nucleotide variant.
Coding change: c.3169T>A on transcript NM_006206.6 (MANE Select); coding-DNA position 3169, T replaced by A.
Protein change: p.Ser1057Thr; replaces serine 1057 with threonine.
Molecular consequence: missense variant.
Genome position (GRCh38, 1-based): chr4:54,295,171, T>A. VCF-style: chr4-54295171-T-A. GRCh37 (hg19) VCF-style: chr4-55161338-T-A.
Other names: c.3244T>A, p.Ser1082Thr (NM_001347828.2); c.3169T>A, p.Ser1057Thr (NM_001347829.2); c.3208T>A, p.Ser1070Thr (NM_001347830.2); short protein forms S1082T, S1070T, S1057T.
Identifiers: ClinVar variation 958566 (VCV000958566.11), dbSNP rs1560495997, ClinGen allele CA356896542.